The following is an entry in ClinVar:

ClinVar aggregate classification (germline): Uncertain significance (1 of 4 stars; one submission).

Conditions:
Charcot-Marie-Tooth disease axonal type 2O. Also called: CHARCOT-MARIE-TOOTH NEUROPATHY, AXONAL, TYPE 2O; CHARCOT-MARIE-TOOTH DISEASE, AXONAL, AUTOSOMAL DOMINANT, TYPE 2O; Charcot-Marie-Tooth Neuropathy Type 2O; Charcot-Marie-Tooth disease, axonal, type 20. Identifiers: Orphanet 284232, MedGen C3280220, MONDO:0013644, OMIM 614228.

Submission:

Labcorp Genetics (formerly Invitae), Labcorp
Classification: Uncertain significance for Charcot-Marie-Tooth disease axonal type 2O. Last evaluated: 2022-09-27. Review status: criteria provided, single submitter. Criteria: Invitae Variant Classification Sherloc (09022015). Collection method: clinical testing. Allele origin: germline.
Comment: In summary, the available evidence is currently insufficient to determine the role of this variant in disease. Therefore, it has been classified as a Variant of Uncertain Significance. Advanced modeling of protein sequence and biophysical properties (such as structural, functional, and spatial information, amino acid conservation, physicochemical variation, residue mobility, and thermodynamic stability) performed at Invitae indicates that this missense variant is not expected to disrupt DYNC1H1 protein function. This variant has not been reported in the literature in individuals affected with DYNC1H1-related conditions. This variant is not present in population databases (gnomAD no frequency). This sequence change replaces proline, which is neutral and non-polar, with alanine, which is neutral and non-polar, at codon 1206 of the DYNC1H1 protein (p.Pro1206Ala).

NM_001376.5(DYNC1H1):c.3616C>G (p.Pro1206Ala)

Gene: DYNC1H1 (dynein cytoplasmic 1 heavy chain 1; plus strand). Cytogenetic location: 14q32.31.
Variant type: single nucleotide variant.
Coding change: c.3616C>G on transcript NM_001376.5 (MANE Select); coding-DNA position 3616, C replaced by G.
Protein change: p.Pro1206Ala; replaces proline 1206 with alanine.
Molecular consequence: missense variant.
Genome position (GRCh38, 1-based): chr14:101,997,086, C>G. VCF-style: chr14-101997086-C-G. GRCh37 (hg19) VCF-style: chr14-102463423-C-G.
Other names: short protein forms P1206A.
Identifiers: ClinVar variation 2008894 (VCV002008894.4), dbSNP rs2503720178, ClinGen allele CA391035795.